The following is an entry in ClinVar:

ClinVar aggregate classification (germline): Uncertain significance (1 of 4 stars; one submission).

Conditions:
Glycogen storage disease type III (GSD3). Also called: FORBES DISEASE; Cori disease. Identifiers: Orphanet 366, MedGen C0017922, MONDO:0009291, OMIM 232400.

Allele frequency attached by ClinVar (database versions not stated): TOPMed below 0.00001; gnomAD 0.00001.

Submission:

Labcorp Genetics (formerly Invitae), Labcorp
Classification: Uncertain significance for Glycogen storage disease type III. Last evaluated: 2021-08-24. Review status: criteria provided, single submitter. Criteria: Invitae Variant Classification Sherloc (09022015). Collection method: clinical testing. Allele origin: germline.
Comment: This sequence change replaces isoleucine with leucine at codon 772 of the AGL protein (p.Ile772Leu). The isoleucine residue is moderately conserved and there is a small physicochemical difference between isoleucine and leucine. This variant is not present in population databases (ExAC no frequency). This variant has not been reported in the literature in individuals affected with AGL-related conditions. Algorithms developed to predict the effect of missense changes on protein structure and function (SIFT, PolyPhen-2, Align-GVGD) all suggest that this variant is likely to be tolerated. In summary, the available evidence is currently insufficient to determine the role of this variant in disease. Therefore, it has been classified as a Variant of Uncertain Significance.

NM_000642.3(AGL):c.2314A>C (p.Ile772Leu)

Gene: AGL (amylo-alpha-1,6-glucosidase and 4-alpha-glucanotransferase; plus strand). Cytogenetic location: 1p21.2.
Variant type: single nucleotide variant.
Coding change: c.2314A>C on transcript NM_000642.3 (MANE Select); coding-DNA position 2314, A replaced by C.
Protein change: p.Ile772Leu; replaces isoleucine 772 with leucine.
Molecular consequence: missense variant.
Genome position (GRCh38, 1-based): chr1:99,884,125, A>C. VCF-style: chr1-99884125-A-C. GRCh37 (hg19) VCF-style: chr1-100349681-A-C.
Other names: c.2110A>C, p.Ile704Leu (NM_001425329.1, NM_001425328.1); c.1936A>C, p.Ile646Leu (NM_001425332.1); c.2314A>C, p.Ile772Leu (NM_000028.3, NM_000643.3, NM_000644.3 and 2 more transcripts); c.2266A>C, p.Ile756Leu (NM_000646.3); c.2113A>C, p.Ile705Leu (NM_001425327.1); short protein forms I772L, I756L, I646L, I704L, I705L.
Identifiers: ClinVar variation 661817 (VCV000661817.3), dbSNP rs1237999305, ClinGen allele CA341320545.